The following is an entry in ClinVar:

ClinVar aggregate classification (germline): Uncertain significance (1 of 4 stars; one submission).

Submission:

Labcorp Genetics (formerly Invitae), Labcorp
Classification: Uncertain significance. Last evaluated: 2019-11-21. Review status: criteria provided, single submitter. Criteria: Invitae Variant Classification Sherloc (09022015). Collection method: clinical testing. Allele origin: germline.
Comment: This sequence change replaces aspartic acid with asparagine at codon 101 of the LZTFL1 protein (p.Asp101Asn). The aspartic acid residue is highly conserved and there is a small physicochemical difference between aspartic acid and asparagine. This variant is not present in population databases (ExAC no frequency). This variant has not been reported in the literature in individuals with LZTFL1-related conditions. Algorithms developed to predict the effect of missense changes on protein structure and function are either unavailable or do not agree on the potential impact of this missense change (SIFT: "Tolerated"; PolyPhen-2: "Possibly Damaging"; Align-GVGD: "Class C0"). In summary, the available evidence is currently insufficient to determine the role of this variant in disease. Therefore, it has been classified as a Variant of Uncertain Significance.

NM_020347.4(LZTFL1):c.301G>A (p.Asp101Asn)

Gene: LZTFL1 (leucine zipper transcription factor like 1; minus strand). Cytogenetic location: 3p21.31.
Variant type: single nucleotide variant.
Coding change: c.301G>A on transcript NM_020347.4 (MANE Select); coding-DNA position 301, G replaced by A.
Protein change: p.Asp101Asn; replaces aspartic acid 101 with asparagine.
Molecular consequence: missense variant. On other transcripts: non-coding transcript variant (1).
Genome position (GRCh38, 1-based): chr3:45,835,612, C>T on the plus strand (G>A on the coding strand, the complement: LZTFL1 is on the minus strand). VCF-style: chr3-45835612-C-T. GRCh37 (hg19) VCF-style: chr3-45877104-C-T.
Other names: c.250G>A, p.Asp84Asn (NM_001276378.2, NM_001386451.1); c.289G>A, p.Asp97Asn (NM_001276379.2); c.301G>A, p.Asp101Asn (NM_001386452.1); short protein forms D101N, D84N, D97N.
Identifiers: ClinVar variation 861440 (VCV000861440.5), dbSNP rs1700945171, ClinGen allele CA352453449.
Genomic context (GRCh38, chr3:45,835,612, plus strand): 5'-GCCATTATTGTCACAGTTGCAAGTTCAAATTTTATTACCGGTTTTCAAGTTCAGAGATGT[C>T]TGTCTGTAGCTTAAGATACCACTTCTCAGCTTGTGCAAACAGCTGTCGCAGAAGTAACAC-3'
Protein context (NP_065080.1, residues 91-111): AEKWYLKLQT[Asp101Asn]ISELENRELL